The following is an entry in ClinVar:

ClinVar aggregate classification (germline): Uncertain significance (1 of 4 stars; one submission).

Submission:

Labcorp Genetics (formerly Invitae), Labcorp
Classification: Uncertain significance. Last evaluated: 2024-08-08. Review status: criteria provided, single submitter. Criteria: Invitae Variant Classification Sherloc (09022015). Collection method: clinical testing. Allele origin: germline.
Comment: This sequence change replaces alanine, which is neutral and non-polar, with threonine, which is neutral and polar, at codon 1277 of the DCHS1 protein (p.Ala1277Thr). This variant is not present in population databases (gnomAD no frequency). This variant has not been reported in the literature in individuals affected with DCHS1-related conditions. Advanced modeling of protein sequence and biophysical properties (such as structural, functional, and spatial information, amino acid conservation, physicochemical variation, residue mobility, and thermodynamic stability) performed at Invitae indicates that this missense variant is expected to disrupt DCHS1 protein function with a positive predictive value of 80%. In summary, the available evidence is currently insufficient to determine the role of this variant in disease. Therefore, it has been classified as a Variant of Uncertain Significance.

NM_003737.4(DCHS1):c.3829G>A (p.Ala1277Thr)

Gene: DCHS1 (dachsous cadherin-related 1; minus strand). Cytogenetic location: 11p15.4.
Variant type: single nucleotide variant.
Coding change: c.3829G>A on transcript NM_003737.4 (MANE Select); coding-DNA position 3829, G replaced by A.
Protein change: p.Ala1277Thr; replaces alanine 1277 with threonine.
Molecular consequence: missense variant.
Genome position (GRCh38, 1-based): chr11:6,631,154, C>T on the plus strand (G>A on the coding strand, the complement: DCHS1 is on the minus strand). VCF-style: chr11-6631154-C-T. GRCh37 (hg19) VCF-style: chr11-6652385-C-T.
Other names: short protein forms A1277T.
Identifiers: ClinVar variation 3697396 (VCV003697396.2).
Genomic context (GRCh38, chr11:6,631,154, plus strand): 5'-CTTGGTCATGAGCACTCAGTGTCAGCACATAGTGGGGCCGCTCTGCTCGGATCAGGGGAG[C>T]TGCAGTGAGCAGCTCCCCTGAGTGAGGGTGCAGAGAGAAAAGCTCTGAGCCAGGACCTGG-3'
Protein context (NP_003728.1, residues 1267-1287): HPHSGELLTA[Ala1277Thr]PLIRAERPHY